The following is an entry in ClinVar:

NM_024649.5(BBS1):c.160-3C>A

Gene: BBS1 (Bardet-Biedl syndrome 1; plus strand). Cytogenetic location: 11q13.2.
Variant type: single nucleotide variant.
Coding change: c.160-3C>A on transcript NM_024649.5 (MANE Select); 3 bases into the intron before coding-DNA position 160, C replaced by A.
Molecular consequence: intron variant.
Genome position (GRCh38, 1-based): chr11:66,514,403, C>A. VCF-style: chr11-66514403-C-A. GRCh37 (hg19) VCF-style: chr11-66281874-C-A.
Identifiers: ClinVar variation 3356041 (VCV003356041.2).
Genomic context (GRCh38, chr11:66,514,403, plus strand): 5'-GAAGAGGGTCAGTGGAGAGGTCTTCAGACCCTGAGCCTAGAATGAGCCATCCTCTCCCTG[C>A]AGCTGGTGGTAGGGGACCTTGGCCCTGGTGGGCAGCAGCCCCGCCTGAAGGTGCTCAAAG-3'

ClinVar aggregate classification (germline): Uncertain significance. Review status: no assertion criteria provided (0 of 4 stars). 2 submissions from 2 submitters: Uncertain significance (2). Last evaluated 2025-03-15.

Conditions:
Bardet-Biedl syndrome 1 (BBS1). Identifiers: MedGen C2936862, MONDO:0008854, OMIM 209900. Disease mechanism: loss of function.
BBS1-related disorder. Also called: BBS1-related condition.

gnomAD v4.1: 2 of 1,613,956 alleles (0.00012%); highest among the groups gnomAD compares: African/African-American, 0.0013%; no homozygotes.

Submissions (2):

Natera, Inc.
Classification: Uncertain significance for Bardet-Biedl syndrome type 1. Last evaluated: 2025-03-15. Review status: no assertion criteria provided. Collection method: clinical testing. Allele origin: germline.

PreventionGenetics, part of Exact Sciences
Classification: Uncertain significance for BBS1-related condition. Last evaluated: 2023-12-05. Review status: no assertion criteria provided. Collection method: clinical testing. Allele origin: germline.
Comment: The BBS1 c.160-3C>A variant is predicted to interfere with splicing. To our knowledge, this variant has not been reported in the literature or in a large population database, indicating this variant is rare. At this time, the clinical significance of this variant is uncertain due to the absence of conclusive functional and genetic evidence.